The following is an entry in ClinVar:

NM_001830.4(CLCN4):c.1024G>A (p.Gly342Arg)

Gene: CLCN4 (Cl-/H+ antiporter 4; plus strand). Cytogenetic location: Xp22.2.
Variant type: single nucleotide variant.
Coding change: c.1024G>A on transcript NM_001830.4 (MANE Select); coding-DNA position 1024, G replaced by A.
Protein change: p.Gly342Arg; replaces glycine 342 with arginine.
Molecular consequence: missense variant.
Genome position (GRCh38, 1-based): chrX:10,208,225, G>A. VCF-style: chrX-10208225-G-A. GRCh37 (hg19) VCF-style: chrX-10176265-G-A.
Other names: NC_000023.10:g.10176265G>A; c.742G>A, p.Gly248Arg (NM_001256944.2); short protein forms G248R, G342R.
Identifiers: ClinVar variation 1201131 (VCV001201131.5), dbSNP rs2147179586, ClinGen allele CA412037683.
Genomic context (GRCh38, chrX:10,208,225, plus strand): 5'-GAATACCACACGCCCTGGTACATGGCTGAACTCTTCCCCTTCATCCTGCTTGGGGTCTTC[G>A]GGGGCTTGTGGGGAACCCTCTTCATCCGCTGCAACATCGCCTGGTGCAGGAGGCGCAAGA-3'
Protein context (NP_001821.2, residues 332-352): LFPFILLGVF[Gly342Arg]GLWGTLFIRC

ClinVar aggregate classification (germline): Uncertain significance. Review status: criteria provided, multiple submitters, no conflicts (2 of 4 stars). 2 submissions from 2 submitters: Uncertain significance (2). Last evaluated 2023-02-06.

Submissions (3):

Blueprint Genetics
Classification: Uncertain significance. Last evaluated: 2023-02-06. Review status: criteria provided, single submitter. Criteria: ACMG Guidelines, 2015. Collection method: clinical testing. Allele origin: germline.

GeneDx
Classification: Uncertain significance. Last evaluated: 2021-02-26. Review status: criteria provided, single submitter. Criteria: GeneDx Variant Classification Process June 2021. Collection method: clinical testing. Allele origin: germline. Affected: yes.
Comment: Not observed in large population cohorts (Lek et al., 2016); In silico analysis, which includes protein predictors and evolutionary conservation, supports a deleterious effect; In silico analysis, which includes splice predictors and evolutionary conservation, suggests this variant may impact gene splicing. In the absence of RNA/functional studies, the actual effect of this sequence change is unknown; Has not been previously published as pathogenic or benign to our knowledge

Dr. Peter K. Rogan Lab, Western University
No classification provided (evidence only). Condition: Thyroid cancer, nonmedullary, 1. Review status: no classification provided. Collection method: in vitro. Allele origin: not applicable. Functional consequence: retained intron. Not counted in ClinVar's aggregate classification.